The following is an entry in ClinVar:

ClinVar aggregate classification (germline): Uncertain significance (1 of 4 stars; one submission).

gnomAD v4.1: 10 of 1,613,060 alleles (0.00062%); highest among the groups gnomAD compares: African/African-American, 0.012%; no homozygotes.

Submission:

GeneDx
Classification: Uncertain significance. Last evaluated: 2026-04-13. Review status: criteria provided, single submitter. Criteria: GeneDx Variant Classification Process June 2021. Collection method: clinical testing. Allele origin: germline.
Comment: In silico analysis suggests that this missense variant does not alter protein structure/function; Has not been previously published as pathogenic or benign to our knowledge

NM_004667.6(HERC2):c.1440C>G (p.Asp480Glu)

Gene: HERC2 (HECT and RLD domain containing E3 ubiquitin protein ligase 2; minus strand). Cytogenetic location: 15q13.1.
Variant type: single nucleotide variant.
Coding change: c.1440C>G on transcript NM_004667.6 (MANE Select); coding-DNA position 1440, C replaced by G.
Protein change: p.Asp480Glu; replaces aspartic acid 480 with glutamic acid.
Molecular consequence: missense variant.
Genome position (GRCh38, 1-based): chr15:28,269,254, G>C on the plus strand (C>G on the coding strand, the complement: HERC2 is on the minus strand). VCF-style: chr15-28269254-G-C. GRCh37 (hg19) VCF-style: chr15-28514400-G-C.
Other names: short protein forms D480E.
Identifiers: ClinVar variation 5036916 (VCV005036916.1).
Genomic context (GRCh38, chr15:28,269,254, plus strand): 5'-GACAGACCCTGCCCCGCAAGGGAACACTGCAGGCACAGTGCCCAGAACACTCACCAGCGT[G>C]TCACTATTATAGGCCTGTGTGTACACGCGGCCATTGCGTGACAGAATCAGGAAACGCTTC-3'
Protein context (NP_004658.3, residues 470-490): GRVYTQAYNS[Asp480Glu]TLAPQLVQGL